The following is an entry in ClinVar:

NM_000218.3(KCNQ1):c.1411C>G (p.Leu471Val)

Genes: KCNQ1 (potassium voltage-gated channel subfamily Q member 1; plus strand), KCNQ1OT1 (KCNQ1 opposite strand/antisense transcript 1; minus strand). Cytogenetic location: 11p15.5.
Variant type: single nucleotide variant.
Coding change: c.1411C>G on transcript NM_000218.3 (MANE Select); coding-DNA position 1411, C replaced by G.
Protein change: p.Leu471Val; replaces leucine 471 with valine.
Molecular consequence: missense variant. On other transcripts: non-coding transcript variant (1).
Genome position (GRCh38, 1-based): chr11:2,661,978, C>G. VCF-style: chr11-2661978-C-G. GRCh37 (hg19) VCF-style: chr11-2683208-C-G.
Other names: c.1315C>G, p.Leu439Val (NM_001406836.1); c.1141C>G, p.Leu381Val (NM_001406837.1); c.871C>G, p.Leu291Val (NM_001406838.1); c.1030C>G, p.Leu344Val (NM_181798.2); short protein forms L344V, L471V, L381V, L439V, L291V.
Identifiers: ClinVar variation 3687672 (VCV003687672.2).
Genomic context (GRCh38, chr11:2,661,978, plus strand): 5'-TGGGTGGGAGGCCTAACGTGCTGTCCCCACACTTTCTCCTCAGTAAGGAAGAGCCCAACA[C>G]TGCTGGAAGTGAGCATGCCCCATTTCATGAGAACCAACAGCTTCGCCGAGGACCTGGACC-3'
Protein context (NP_000209.2, residues 461-481): YDSSVRKSPT[Leu471Val]LEVSMPHFMR

ClinVar aggregate classification (germline): Uncertain significance (1 of 4 stars; one submission).

Conditions:
Long QT syndrome (LQTS). Identifiers: MedGen C0023976, MeSH D008133, MONDO:0002442. Disease mechanism: loss of function. Inheritance: Various modes of inheritance.

Submission:

Labcorp Genetics (formerly Invitae), Labcorp
Classification: Uncertain significance for Long QT syndrome. Last evaluated: 2024-09-15. Review status: criteria provided, single submitter. Criteria: Invitae Variant Classification Sherloc (09022015). Collection method: clinical testing. Allele origin: germline.
Comment: This sequence change replaces leucine, which is neutral and non-polar, with valine, which is neutral and non-polar, at codon 471 of the KCNQ1 protein (p.Leu471Val). This variant is not present in population databases (gnomAD no frequency). This variant has not been reported in the literature in individuals affected with KCNQ1-related conditions. Invitae Evidence Modeling of protein sequence and biophysical properties (such as structural, functional, and spatial information, amino acid conservation, physicochemical variation, residue mobility, and thermodynamic stability) has been performed for this missense variant. However, the output from this modeling did not meet the statistical confidence thresholds required to predict the impact of this variant on KCNQ1 protein function. In summary, the available evidence is currently insufficient to determine the role of this variant in disease. Therefore, it has been classified as a Variant of Uncertain Significance.